The following is an entry in ClinVar:

ClinVar aggregate classification (germline): Conflicting classifications of pathogenicity. Review status: criteria provided, conflicting classifications (1 of 4 stars). 2 submissions from 2 submitters: Uncertain significance (1); Likely benign (1). Last evaluated 2026-01-25.

Conditions:
Hereditary cancer-predisposing syndrome. Also called: Hereditary neoplastic syndrome; Tumor predisposition; Neoplastic Syndromes, Hereditary; Hereditary Cancer Syndrome. Identifiers: Orphanet 140162, MedGen C0027672, MeSH D009386, MONDO:0015356.

Allele frequency attached by ClinVar (database versions not stated): TOPMed below 0.00001; gnomAD 0.00002.

Submissions (3):

Labcorp Genetics (formerly Invitae), Labcorp
Classification: Uncertain significance. Last evaluated: 2026-01-25. Review status: criteria provided, single submitter. Criteria: Invitae Variant Classification Sherloc (09022015). Collection method: clinical testing. Allele origin: germline.
Comment: This sequence change replaces isoleucine, which is neutral and non-polar, with valine, which is neutral and non-polar, at codon 1756 of the POLE protein (p.Ile1756Val). This variant is present in population databases (rs761812100, gnomAD 0.004%). This variant has not been reported in the literature in individuals affected with POLE-related conditions. ClinVar contains an entry for this variant (Variation ID: 570389). Invitae Evidence Modeling of protein sequence and biophysical properties (such as structural, functional, and spatial information, amino acid conservation, physicochemical variation, residue mobility, and thermodynamic stability) indicates that this missense variant is not expected to disrupt POLE protein function with a negative predictive value of 80%. In summary, the available evidence is currently insufficient to determine the role of this variant in disease. Therefore, it has been classified as a Variant of Uncertain Significance.

Ambry Genetics
Classification: Likely benign for Hereditary cancer-predisposing syndrome. Last evaluated: 2025-01-15. Review status: criteria provided, single submitter. Criteria: Ambry Variant Classification Scheme 2023. Collection method: clinical testing. Allele origin: germline.

Dr. Peter K. Rogan Lab, Western University
No classification provided (evidence only). Condition: Thyroid cancer, nonmedullary, 1. Review status: no classification provided. Collection method: in vitro. Allele origin: not applicable. Functional consequence: skipped exon. Not counted in ClinVar's aggregate classification.

NM_006231.4(POLE):c.5266A>G (p.Ile1756Val)

Gene: POLE (DNA polymerase epsilon, catalytic subunit; minus strand). Cytogenetic location: 12q24.33.
Variant type: single nucleotide variant.
Coding change: c.5266A>G on transcript NM_006231.4 (MANE Select); coding-DNA position 5266, A replaced by G.
Protein change: p.Ile1756Val; replaces isoleucine 1756 with valine.
Molecular consequence: missense variant.
Genome position (GRCh38, 1-based): chr12:132,641,759, T>C on the plus strand (A>G on the coding strand, the complement: POLE is on the minus strand). VCF-style: chr12-132641759-T-C. GRCh37 (hg19) VCF-style: chr12-133218345-T-C.
Other names: short protein forms I1756V.
Identifiers: ClinVar variation 570389 (VCV000570389.11), dbSNP rs761812100, ClinGen allele CA6892579.